The following is an entry in ClinVar:

ClinVar aggregate classification (germline): Conflicting classifications of pathogenicity. Review status: criteria provided, conflicting classifications (1 of 4 stars). 2 submissions from 2 submitters: Uncertain significance (1); Likely benign (1). Last evaluated 2025-10-07.

Conditions:
Inborn genetic diseases. Identifiers: MedGen C0950123, MeSH D030342.
Intellectual developmental disorder, autosomal dominant 1. Also called: Intellectual disability, autosomal dominant 1; MBD5 Haploinsufficiency. Identifiers: Orphanet 228402, MedGen C1969562, MONDO:0007974, OMIM 156200.

Allele frequency attached by ClinVar (database versions not stated): TOPMed 0.00003.
gnomAD v4.1: 15 of 1,613,714 alleles (0.00093%); highest among the groups gnomAD compares: Non-Finnish European, 0.0012%; no homozygotes.

Submissions (2):

Ambry Genetics
Classification: Likely benign for Inborn genetic diseases. Last evaluated: 2025-10-07. Review status: criteria provided, single submitter. Criteria: Ambry Variant Classification Scheme 2023. Collection method: clinical testing. Allele origin: germline.

Labcorp Genetics (formerly Invitae), Labcorp
Classification: Uncertain significance for Intellectual developmental disorder, autosomal dominant 1. Last evaluated: 2025-02-24. Review status: criteria provided, single submitter. Criteria: Invitae Variant Classification Sherloc (09022015). Collection method: clinical testing. Allele origin: germline.
Comment: This sequence change replaces proline, which is neutral and non-polar, with leucine, which is neutral and non-polar, at codon 339 of the MBD5 protein (p.Pro339Leu). This variant is present in population databases (rs748307129, gnomAD 0.002%). This variant has not been reported in the literature in individuals affected with MBD5-related conditions. ClinVar contains an entry for this variant (Variation ID: 838102). Invitae Evidence Modeling of protein sequence and biophysical properties (such as structural, functional, and spatial information, amino acid conservation, physicochemical variation, residue mobility, and thermodynamic stability) indicates that this missense variant is not expected to disrupt MBD5 protein function with a negative predictive value of 80%. In summary, the available evidence is currently insufficient to determine the role of this variant in disease. Therefore, it has been classified as a Variant of Uncertain Significance.

NM_001378120.1(MBD5):c.1016C>T (p.Pro339Leu)

Gene: MBD5 (methyl-CpG binding domain protein 5; plus strand). Cytogenetic location: 2q23.1.
Variant type: single nucleotide variant.
Coding change: c.1016C>T on transcript NM_001378120.1 (MANE Select); coding-DNA position 1016, C replaced by T.
Protein change: p.Pro339Leu; replaces proline 339 with leucine.
Molecular consequence: missense variant.
Genome position (GRCh38, 1-based): chr2:148,468,959, C>T. VCF-style: chr2-148468959-C-T. GRCh37 (hg19) VCF-style: chr2-149226528-C-T.
Other names: c.1016C>T, p.Pro339Leu (NM_018328.5); short protein forms P339L.
Identifiers: ClinVar variation 838102 (VCV000838102.11), dbSNP rs748307129, ClinGen allele CA1899960.